The following is an entry in ClinVar:

ClinVar aggregate classification (germline): Uncertain significance (1 of 4 stars; one submission).

Conditions:
Familial infantile myasthenia (CMS6). Also called: MYASTHENIC SYNDROME, PRESYNAPTIC, CONGENITAL, ASSOCIATED WITH EPISODIC APNEA; Congenital myasthenic syndrome type 6; MYASTHENIC SYNDROME, CONGENITAL, 6, PRESYNAPTIC. Identifiers: Orphanet 590, MedGen C0393929, MONDO:0009689, OMIM 254210.

Allele frequency attached by ClinVar (database versions not stated): TOPMed below 0.00001; ExAC 0.00001; ESP Exome Variant Server 0.00008.
gnomAD v4.1: 1 of 1,613,848 alleles (0.000062%); highest among the groups gnomAD compares: Non-Finnish European, 0.000085%; no homozygotes.

Submission:

Labcorp Genetics (formerly Invitae), Labcorp
Classification: Uncertain significance for Familial infantile myasthenia. Last evaluated: 2022-01-04. Review status: criteria provided, single submitter. Criteria: Invitae Variant Classification Sherloc (09022015). Collection method: clinical testing. Allele origin: germline.
Comment: In summary, the available evidence is currently insufficient to determine the role of this variant in disease. Therefore, it has been classified as a Variant of Uncertain Significance. Advanced modeling of protein sequence and biophysical properties (such as structural, functional, and spatial information, amino acid conservation, physicochemical variation, residue mobility, and thermodynamic stability) performed at Invitae indicates that this missense variant is not expected to disrupt CHAT protein function. This variant has not been reported in the literature in individuals affected with CHAT-related conditions. This variant is present in population databases (rs375424189, gnomAD 0.007%). This sequence change replaces cysteine, which is neutral and slightly polar, with serine, which is neutral and polar, at codon 487 of the CHAT protein (p.Cys487Ser).

NM_020549.5(CHAT):c.1459T>A (p.Cys487Ser)

Gene: CHAT (choline O-acetyltransferase; plus strand). Cytogenetic location: 10q11.23.
Variant type: single nucleotide variant.
Coding change: c.1459T>A on transcript NM_020549.5 (MANE Select); coding-DNA position 1459, T replaced by A.
Protein change: p.Cys487Ser; replaces cysteine 487 with serine.
Molecular consequence: missense variant.
Genome position (GRCh38, 1-based): chr10:49,649,584, T>A. VCF-style: chr10-49649584-T-A. GRCh37 (hg19) VCF-style: chr10-50857630-T-A.
Other names: c.1105T>A, p.Cys369Ser (NM_001142929.2, NM_001142934.2, NM_020984.4 and 2 more transcripts); c.1213T>A, p.Cys405Ser (NM_001142933.2); short protein forms C405S, C487S, C369S.
Identifiers: ClinVar variation 1943100 (VCV001943100.3), dbSNP rs375424189, ClinGen allele CA5497511.
Genomic context (GRCh38, chr10:49,649,584, plus strand): 5'-AAGCTGATCCGAGCAGACTCCGTCAGCGAGCTCCCCGCCCCCCGGAGGCTGCGGTGGAAA[T>A]GCTCCCCGGAAATTCAAGGCCACTTAGCCTCCTCGGCAGAAAAACTTCAACGGTAAGGAT-3'
Protein context (NP_065574.4, residues 477-497): LPAPRRLRWK[Cys487Ser]SPEIQGHLAS